The following is an entry in ClinVar:

NM_005732.4(RAD50):c.802C>A (p.Leu268Ile)

Gene: RAD50 (RAD50 double strand break repair protein; plus strand). Cytogenetic location: 5q31.1.
Variant type: single nucleotide variant.
Coding change: c.802C>A on transcript NM_005732.4 (MANE Select); coding-DNA position 802, C replaced by A.
Protein change: p.Leu268Ile; replaces leucine 268 with isoleucine.
Molecular consequence: missense variant.
Genome position (GRCh38, 1-based): chr5:132,587,607, C>A. VCF-style: chr5-132587607-C-A. GRCh37 (hg19) VCF-style: chr5-131923299-C-A.
Other names: short protein forms L268I.
Identifiers: ClinVar variation 2814455 (VCV002814455.3), dbSNP rs760954965, ClinGen allele CA360940153.
Genomic context (GRCh38, chr5:132,587,607, plus strand): 5'-TTTCTTTATTTTCAGAATCGTCTAAAAGAAATTGAACATAATCTCTCTAAAATAATGAAA[C>A]TTGACAATGAAATTAAAGCCTTGGATAGCCGAAAGAAGCAAATGGAGAAAGATAATAGTG-3'
Protein context (NP_005723.2, residues 258-278): IEHNLSKIMK[Leu268Ile]DNEIKALDSR

ClinVar aggregate classification (germline): Uncertain significance (1 of 4 stars; one submission).

Conditions:
Hereditary cancer-predisposing syndrome. Also called: Tumor predisposition; Hereditary Cancer Syndrome; Hereditary neoplastic syndrome; Neoplastic Syndromes, Hereditary. Identifiers: Orphanet 140162, MedGen C0027672, MeSH D009386, MONDO:0015356.

Submission:

Labcorp Genetics (formerly Invitae), Labcorp
Classification: Uncertain significance for Hereditary cancer-predisposing syndrome. Last evaluated: 2022-11-15. Review status: criteria provided, single submitter. Criteria: Invitae Variant Classification Sherloc (09022015). Collection method: clinical testing. Allele origin: germline.
Comment: This sequence change replaces leucine, which is neutral and non-polar, with isoleucine, which is neutral and non-polar, at codon 268 of the RAD50 protein (p.Leu268Ile). In summary, the available evidence is currently insufficient to determine the role of this variant in disease. Therefore, it has been classified as a Variant of Uncertain Significance. Advanced modeling of protein sequence and biophysical properties (such as structural, functional, and spatial information, amino acid conservation, physicochemical variation, residue mobility, and thermodynamic stability) performed at Invitae indicates that this missense variant is not expected to disrupt RAD50 protein function. This variant has not been reported in the literature in individuals affected with RAD50-related conditions. This variant is not present in population databases (gnomAD no frequency).